The following is an entry in ClinVar:

ClinVar aggregate classification (germline): Uncertain significance (1 of 4 stars; one submission).

gnomAD v4.1: 1 of 1,536,186 alleles (0.000065%); highest among the groups gnomAD compares: Non-Finnish European, 0.000087%; no homozygotes.

Submission:

Labcorp Genetics (formerly Invitae), Labcorp
Classification: Uncertain significance. Last evaluated: 2022-09-06. Review status: criteria provided, single submitter. Criteria: Invitae Variant Classification Sherloc (09022015). Collection method: clinical testing. Allele origin: germline.
Comment: This sequence change replaces proline, which is neutral and non-polar, with alanine, which is neutral and non-polar, at codon 717 of the ARMC9 protein (p.Pro717Ala). This variant is not present in population databases (gnomAD no frequency). This variant has not been reported in the literature in individuals affected with ARMC9-related conditions. Experimental studies and prediction algorithms are not available or were not evaluated, and the functional significance of this variant is currently unknown. In summary, the available evidence is currently insufficient to determine the role of this variant in disease. Therefore, it has been classified as a Variant of Uncertain Significance.

NM_001352754.2(ARMC9):c.2149C>G (p.Pro717Ala)

Genes: ARMC9 (armadillo repeat containing 9; plus strand), LOC122861306 (Sharpr-MPRA regulatory region 9410; plus strand). Cytogenetic location: 2q37.1.
Variant type: single nucleotide variant.
Coding change: c.2149C>G on transcript NM_001352754.2 (MANE Select); coding-DNA position 2149, C replaced by G.
Protein change: p.Pro717Ala; replaces proline 717 with alanine.
Molecular consequence: missense variant.
Genome position (GRCh38, 1-based): chr2:231,360,771, C>G. VCF-style: chr2-231360771-C-G. GRCh37 (hg19) VCF-style: chr2-232225483-C-G.
Other names: c.2149C>G, p.Pro717Ala (NM_001271466.4); short protein forms P717A.
Identifiers: ClinVar variation 1995163 (VCV001995163.4), dbSNP rs1309564478, ClinGen allele CA350958050.